The following is an entry in ClinVar:

NM_001365999.1(SZT2):c.1898A>G (p.Tyr633Cys)

Gene: SZT2 (SZT2 subunit of KICSTOR complex; plus strand). Cytogenetic location: 1p34.2.
Variant type: single nucleotide variant.
Coding change: c.1898A>G on transcript NM_001365999.1 (MANE Select); coding-DNA position 1898, A replaced by G.
Protein change: p.Tyr633Cys; replaces tyrosine 633 with cysteine.
Molecular consequence: missense variant.
Genome position (GRCh38, 1-based): chr1:43,422,608, A>G. VCF-style: chr1-43422608-A-G. GRCh37 (hg19) VCF-style: chr1-43888279-A-G.
Other names: c.1898A>G, p.Tyr633Cys (NM_015284.4); short protein forms Y633C.
Identifiers: ClinVar variation 1524194 (VCV001524194.3), dbSNP rs769983506, ClinGen allele CA808537.

ClinVar aggregate classification (germline): Uncertain significance (1 of 4 stars; one submission).

gnomAD v4.1: 1 of 1,596,706 alleles (0.000063%); highest among the groups gnomAD compares: South Asian, 0.0011%; no homozygotes.

Submission:

Labcorp Genetics (formerly Invitae), Labcorp
Classification: Uncertain significance. Last evaluated: 2021-08-04. Review status: criteria provided, single submitter. Criteria: Invitae Variant Classification Sherloc (09022015). Collection method: clinical testing. Allele origin: germline.
Comment: This sequence change replaces tyrosine with cysteine at codon 633 of the SZT2 protein (p.Tyr633Cys). The tyrosine residue is weakly conserved and there is a large physicochemical difference between tyrosine and cysteine. This variant is present in population databases (rs769983506, ExAC 0.007%). This variant has not been reported in the literature in individuals affected with SZT2-related conditions. Algorithms developed to predict the effect of missense changes on protein structure and function are either unavailable or do not agree on the potential impact of this missense change (SIFT: "Tolerated"; PolyPhen-2: "Probably Damaging"; Align-GVGD: "Class C0"). In summary, the available evidence is currently insufficient to determine the role of this variant in disease. Therefore, it has been classified as a Variant of Uncertain Significance.